The following is an entry in ClinVar:

ClinVar aggregate classification (germline): Uncertain significance (1 of 4 stars; one submission).

Conditions:
Emery-Dreifuss muscular dystrophy 4, autosomal dominant (EDMD4). Also called: EMERY-DREIFUSS MUSCULAR DYSTROPHY 4 WITH VARIABLE FEATURES. Identifiers: Orphanet 261, MedGen C2751807, MONDO:0013071, OMIM 612998.
Autosomal recessive ataxia, Beauce type. Also called: SYNE1-Related Autosomal Recessive Cerebellar Ataxia; Spinocerebellar ataxia, autosomal recessive 8; ATAXIA, RECESSIVE, OF BEAUCE; SYNE1 Deficiency. Identifiers: Orphanet 88644, MedGen C1853116, MONDO:0012549, OMIM 610743.

gnomAD v4.1: 10 of 1,613,940 alleles (0.00062%); highest among the groups gnomAD compares: Admixed American, 0.017%; no homozygotes.

Submission:

Labcorp Genetics (formerly Invitae), Labcorp
Classification: Uncertain significance for Emery-Dreifuss muscular dystrophy 4, autosomal dominant; Autosomal recessive ataxia, Beauce type. Last evaluated: 2024-01-15. Review status: criteria provided, single submitter. Criteria: Invitae Variant Classification Sherloc (09022015). Collection method: clinical testing. Allele origin: germline.
Comment: This sequence change replaces glutamine, which is neutral and polar, with histidine, which is basic and polar, at codon 1560 of the SYNE1 protein (p.Gln1560His). This variant is present in population databases (no rsID available, gnomAD 0.009%). This variant has not been reported in the literature in individuals affected with SYNE1-related conditions. ClinVar contains an entry for this variant (Variation ID: 580094). An algorithm developed to predict the effect of missense changes on protein structure and function (PolyPhen-2) suggests that this variant¬†is likely to be tolerated. In summary, the available evidence is currently insufficient to determine the role of this variant in disease. Therefore, it has been classified as a Variant of Uncertain Significance.

NM_182961.4(SYNE1):c.4659G>C (p.Gln1553His)

Gene: SYNE1 (spectrin repeat containing nuclear envelope protein 1; minus strand). Cytogenetic location: 6q25.2.
Variant type: single nucleotide variant.
Coding change: c.4659G>C on transcript NM_182961.4 (MANE Select); coding-DNA position 4659, G replaced by C.
Protein change: p.Gln1553His; replaces glutamine 1553 with histidine.
Molecular consequence: missense variant.
Genome position (GRCh38, 1-based): chr6:152,430,512, C>G on the plus strand (G>C on the coding strand, the complement: SYNE1 is on the minus strand). VCF-style: chr6-152430512-C-G. GRCh37 (hg19) VCF-style: chr6-152751647-C-G.
Other names: c.4680G>C, p.Gln1560His (NM_033071.5); short protein forms Q1560H, Q1553H.
Identifiers: ClinVar variation 580094 (VCV000580094.6), dbSNP rs144533000, ClinGen allele CA366142057.